The following is an entry in ClinVar:

NM_001378183.1(PIEZO2):c.1661T>A (p.Leu554Ter)

Gene: PIEZO2 (piezo type mechanosensitive ion channel component 2; minus strand). Cytogenetic location: 18p11.22.
Variant type: single nucleotide variant.
Coding change: c.1661T>A on transcript NM_001378183.1 (MANE Select); coding-DNA position 1661, T replaced by A.
Protein change: p.Leu554Ter; replaces leucine 554 with a stop codon.
Molecular consequence: nonsense.
Genome position (GRCh38, 1-based): chr18:10,794,869, A>T on the plus strand (T>A on the coding strand, the complement: PIEZO2 is on the minus strand). VCF-style: chr18-10794869-A-T. GRCh37 (hg19) VCF-style: chr18-10794867-A-T.
Other names: c.1661T>A (NM_022068.2); c.1661T>A, p.Leu554Ter (NM_022068.4); short protein forms L554*.
Identifiers: ClinVar variation 1324903 (VCV001324903.10), dbSNP rs978512526, ClinGen allele CA296004692.
Genomic context (GRCh38, chr18:10,794,869, plus strand): 5'-AATCCTGGAACTTTTTTAATTTCAGGAAGTTCAAAACTCCATATATACTGTAATATCAAC[A>T]ATAGGTTTCCATAAACCACCATGAAGGGAGAGCTGATCATGGCATATTTTCTTCTGTTGC-3'

ClinVar aggregate classification (germline): Pathogenic/Likely pathogenic. Review status: criteria provided, multiple submitters, no conflicts (2 of 4 stars). 4 submissions from 4 submitters: Pathogenic (1); Likely pathogenic (2). 1 of the submissions does not count toward it. Last evaluated 2024-05-16.

Conditions:
PIEZO2-related disorder. Also called: PIEZO2-related condition; PIEZO2-related disorders.

Allele frequency attached by ClinVar (database versions not stated): gnomAD exomes 0.00001; TOPMed 0.00002; gnomAD 0.00003.
gnomAD v4.1: 19 of 1,537,532 alleles (0.0012%); highest among the groups gnomAD compares: Non-Finnish European, 0.0017%; no homozygotes.

Submissions (4):

GeneDx
Classification: Likely pathogenic. Last evaluated: 2024-05-16. Review status: criteria provided, single submitter. Criteria: GeneDx Variant Classification Process June 2021. Collection method: clinical testing. Allele origin: germline. Affected: yes.
Comment: Nonsense variant predicted to result in protein truncation or nonsense mediated decay in a gene for which loss of function is a known mechanism of disease; Not observed at significant frequency in large population cohorts (gnomAD); Has not been previously published as pathogenic or benign to our knowledge

Labcorp Genetics (formerly Invitae), Labcorp
Classification: Pathogenic. Last evaluated: 2023-11-21. Review status: criteria provided, single submitter. Criteria: Invitae Variant Classification Sherloc (09022015). Collection method: clinical testing. Allele origin: germline.
Comment: This sequence change creates a premature translational stop signal (p.Leu554*) in the PIEZO2 gene. It is expected to result in an absent or disrupted protein product. Loss-of-function variants in PIEZO2 are known to be pathogenic (PMID: 27653382, 27843126). This variant is not present in population databases (gnomAD no frequency). This variant has not been reported in the literature in individuals affected with PIEZO2-related conditions. ClinVar contains an entry for this variant (Variation ID: 1324903). For these reasons, this variant has been classified as Pathogenic.

Revvity Omics, Revvity
Classification: Likely pathogenic. Last evaluated: 2021-10-01. Review status: criteria provided, single submitter. Criteria: ACMG Guidelines, 2015. Collection method: clinical testing. Allele origin: germline.

PreventionGenetics, part of Exact Sciences
Classification: Likely pathogenic for PIEZO2-related condition. Last evaluated: 2023-11-21. Review status: no assertion criteria provided. Collection method: clinical testing. Allele origin: germline. Not counted in ClinVar's aggregate classification.
Comment: The PIEZO2 c.1661T>A variant is predicted to result in premature protein termination (p.Leu554*). To our knowledge, this variant has not been reported in the literature or in a large population database, indicating this variant is rare. Nonsense variants in PIEZO2 are expected to be pathogenic. This variant is interpreted as likely pathogenic.

Literature cited by the submitters: PubMed 27653382 (cited by Labcorp Genetics (formerly Invitae), Labcorp); PubMed 27843126 (cited by Labcorp Genetics (formerly Invitae), Labcorp).